The following is an entry in ClinVar:

ClinVar aggregate classification (germline): Pathogenic/Likely pathogenic. Review status: criteria provided, multiple submitters, no conflicts (2 of 4 stars). 4 submissions from 4 submitters: Pathogenic (2); Likely pathogenic (2). Last evaluated 2024-05-08.

Conditions:
Developmental and epileptic encephalopathy, 14 (DEE14). Also called: Early infantile epileptic encephalopathy 14. Identifiers: Orphanet 293181, MedGen C3554195, MONDO:0013989, OMIM 614959.
Autosomal dominant nocturnal frontal lobe epilepsy 5. Also called: Epilepsy, nocturnal frontal lobe, 5; KCNT1-Related Epilepsy; CILIARY DYSKINESIA, PRIMARY, 28, WITHOUT SITUS INVERSUS; CILIARY DYSKINESIA, PRIMARY, 28, WITH SITUS INVERSUS. Identifiers: Orphanet 98784, MedGen C3554306, MONDO:0014002, OMIM 615005.

Submissions (4):

Labcorp Genetics (formerly Invitae), Labcorp
Classification: Pathogenic for Autosomal dominant nocturnal frontal lobe epilepsy 5; Developmental and epileptic encephalopathy, 14. Last evaluated: 2024-05-08. Review status: criteria provided, single submitter. Criteria: Invitae Variant Classification Sherloc (09022015). Collection method: clinical testing. Allele origin: germline.
Comment: This sequence change replaces methionine, which is neutral and non-polar, with valine, which is neutral and non-polar, at codon 896 of the KCNT1 protein (p.Met896Val). This variant is not present in population databases (gnomAD no frequency). This missense change has been observed in individual(s) with KCNT1-related conditions (PMID: 34114611). In at least one individual the variant was observed to be de novo. ClinVar contains an entry for this variant (Variation ID: 813753). Advanced modeling of protein sequence and biophysical properties (such as structural, functional, and spatial information, amino acid conservation, physicochemical variation, residue mobility, and thermodynamic stability) has been performed at Invitae for this missense variant, however the output from this modeling did not meet the statistical confidence thresholds required to predict the impact of this variant on KCNT1 protein function. Experimental studies have shown that this missense change affects KCNT1 function (PMID: 36499459). This variant disrupts the p.Met896 amino acid residue in KCNT1. Other variant(s) that disrupt this residue have been determined to be pathogenic (PMID: 26993267). This suggests that this residue is clinically significant, and that variants that disrupt this residue are likely to be disease-causing. For these reasons, this variant has been classified as Pathogenic.

Institute of Human Genetics, University of Leipzig Medical Center
Classification: Likely pathogenic for Autosomal dominant nocturnal frontal lobe epilepsy 5. Last evaluated: 2023-02-06. Review status: criteria provided, single submitter. Criteria: ACMG Guidelines, 2015. Collection method: clinical testing. Allele origin: maternal. Affected: yes.
Comment: This variant was identified together with the variants: _x000D_NM_013450.4:c.319_320del and NM_013450.4:c.5797-1G>C. Criteria applied: PM5_STR, PS4_MOD, PM2_SUP

GeneDx
Classification: Pathogenic. Last evaluated: 2021-03-11. Review status: criteria provided, single submitter. Criteria: GeneDx Variant Classification Process June 2021. Collection method: clinical testing. Allele origin: germline. Affected: yes.
Comment: Not observed in large population cohorts (Lek et al., 2016); In silico analysis supports that this missense variant has a deleterious effect on protein structure/function; This variant is associated with the following publications: (PMID: 26633542)

Cytogénomique, Hospices Civils de Lyon
Classification: Likely pathogenic for Developmental and epileptic encephalopathy, 14. Last evaluated: 2017-03-21. Review status: criteria provided, single submitter. Criteria: ACMG Guidelines, 2015. Collection method: clinical testing. Allele origin: maternal. Inheritance: Autosomal dominant inheritance. Affected: yes.

Literature cited by the submitters: PubMed 34114611 (cited by Labcorp Genetics (formerly Invitae), Labcorp); PubMed 36499459 (cited by Labcorp Genetics (formerly Invitae), Labcorp); PubMed 26993267 (cited by Labcorp Genetics (formerly Invitae), Labcorp); PubMed 23086396 (cited by Cytogénomique, Hospices Civils de Lyon).

NM_020822.3(KCNT1):c.2686A>G (p.Met896Val)

Gene: KCNT1 (potassium sodium-activated channel subfamily T member 1; plus strand). Cytogenetic location: 9q34.3.
Variant type: single nucleotide variant.
Coding change: c.2686A>G on transcript NM_020822.3 (MANE Select); coding-DNA position 2686, A replaced by G.
Protein change: p.Met896Val; replaces methionine 896 with valine.
Molecular consequence: missense variant.
Genome position (GRCh38, 1-based): chr9:135,778,779, A>G. VCF-style: chr9-135778779-A-G. GRCh37 (hg19) VCF-style: chr9-138670625-A-G.
Other names: c.2551A>G, p.Met851Val (NM_001272003.2); short protein forms M851V, M896V.
Identifiers: ClinVar variation 813753 (VCV000813753.7), dbSNP rs2491038179, ClinGen allele CA375514686.